The following is an entry in ClinVar:

ClinVar aggregate classification (germline): Benign/Likely benign. Review status: criteria provided, multiple submitters, no conflicts (2 of 4 stars). 5 submissions from 5 submitters: Benign (2); Likely benign (3). Last evaluated 2025-05-08.

Conditions:
Tuberous sclerosis syndrome (TSC). Also called: Tuberous Sclerosis Complex; Tuberous sclerosis. Identifiers: Orphanet 805, MedGen C0041341, MONDO:0001734.
Hereditary cancer-predisposing syndrome. Also called: Tumor predisposition; Neoplastic Syndromes, Hereditary; Hereditary Cancer Syndrome; Hereditary neoplastic syndrome. Identifiers: Orphanet 140162, MedGen C0027672, MeSH D009386, MONDO:0015356.
Tuberous sclerosis 2 (TSC2). Identifiers: Orphanet 805, MedGen C1860707, MONDO:0013199, OMIM 613254.

Allele frequency attached by ClinVar (database versions not stated): gnomAD exomes below 0.00001; ExAC 0.00001; gnomAD 0.00001; TOPMed 0.00001; ESP Exome Variant Server 0.00008.

Submissions (5):

Myriad Genetics, Inc.
Classification: Benign for Tuberous sclerosis 2. Last evaluated: 2025-05-08. Review status: criteria provided, single submitter. Criteria: Myriad Autosomal Dominant, Autosomal Recessive and X-Linked Classification Criteria (2023). Collection method: clinical testing. Allele origin: unknown.
Comment: This variant is considered benign. This variant is a silent/synonymous amino acid change and it is not expected to impact splicing.

Labcorp Genetics (formerly Invitae), Labcorp
Classification: Likely benign for Tuberous sclerosis 2. Last evaluated: 2024-09-08. Review status: criteria provided, single submitter. Criteria: Invitae Variant Classification Sherloc (09022015). Collection method: clinical testing. Allele origin: germline.

All of Us Research Program, National Institutes of Health
Classification: Likely benign for Tuberous sclerosis syndrome. Last evaluated: 2024-03-24. Review status: criteria provided, single submitter. Criteria: ACMG Guidelines, 2015. Collection method: clinical testing. Allele origin: germline. Inheritance: Autosomal dominant inheritance. Observed: 1 variant allele, 1 heterozygote.
Comment: This study involves interpretation of variants in research participants for the purpose of population health screening. Participant phenotype was not available at the time of variant classification. Additional details can be found in publication PMID: 35346344, PMCID: PMC8962531

Genome-Nilou Lab
Classification: Benign for Tuberous sclerosis 2. Last evaluated: 2021-11-07. Review status: criteria provided, single submitter. Criteria: ACMG Guidelines, 2015. Collection method: clinical testing. Allele origin: germline. Affected: no.

Ambry Genetics
Classification: Likely benign for Hereditary cancer-predisposing syndrome. Last evaluated: 2017-09-20. Review status: criteria provided, single submitter. Criteria: Ambry Variant Classification Scheme 2023. Collection method: clinical testing. Allele origin: germline.

NM_000548.5(TSC2):c.655C>T (p.Leu219=)

Gene: TSC2 (TSC complex subunit 2; plus strand). Cytogenetic location: 16p13.3.
Variant type: single nucleotide variant.
Coding change: c.655C>T on transcript NM_000548.5 (MANE Select); coding-DNA position 655, C replaced by T.
Protein change: p.Leu219=; no amino-acid change (leucine 219 retained).
Molecular consequence: synonymous variant.
Genome position (GRCh38, 1-based): chr16:2,056,650, C>T. VCF-style: chr16-2056650-C-T. GRCh37 (hg19) VCF-style: chr16-2106651-C-T.
Other names: c.655C>T, p.Leu219= (NM_001077183.3, NM_001114382.3, NM_001363528.2 and 3 more transcripts); c.544C>T, p.Leu182= (NM_001318827.2); c.508C>T, p.Leu170= (NM_001318829.2); c.55C>T, p.Leu19= (NM_001318831.2); c.688C>T, p.Leu230= (NM_001318832.2).
Identifiers: ClinVar variation 486700 (VCV000486700.19), dbSNP rs369046625, ClinGen allele CA056061.
Genomic context (GRCh38, chr16:2,056,650, plus strand): 5'-CCTGTGGGGAGGAGCTGGGGTAGGACGGGCGTGAGCCGTCTCCCTCTCCACCAGGTCTCC[C>T]TGCAGGTGCTGGACGCCGTGGTCTGCTACAACTGCCTGCCGGCTGAGAGCCTCCCGCTGT-3'
Protein context (NP_000539.2, residues 209-229): TASSVDIEVS[Leu219=]QVLDAVVCYN